The following is an entry in ClinVar:

NM_000388.4:c.2643_2644insAlu

Gene: CASR (calcium sensing receptor; plus strand). Cytogenetic location: 3q13.33-21.1.
Variant type: Insertion.
Other names: NM_000388.3:c.2643_2644insAlu; c.2643_2644insAlu (NM_000388.4).
Identifiers: ClinVar variation 870267 (VCV000870267.1).

ClinVar aggregate classification (germline): Pathogenic (1 of 4 stars; one submission).

Conditions:
Autosomal dominant hypocalcemia 1 (HYPOC1). Also called: HYPOCALCEMIA, FAMILIAL. Identifiers: MedGen C3715128, MONDO:0011013, OMIM 601198.
Familial hypocalciuric hypercalcemia (FHH). Also called: Familial benign hypercalcemia. Identifiers: Orphanet 405, MedGen C1809471, MONDO:0018458.

Submission:

Labcorp Genetics (formerly Invitae), Labcorp
Classification: Pathogenic for Familial hypocalciuric hypercalcemia; Hypocalcemia, autosomal dominant 1. Last evaluated: 2020-01-07. Review status: criteria provided, single submitter. Criteria: Invitae Variant Classification Sherloc (09022015). Collection method: clinical testing. Allele origin: germline.
Comment: This sequence change is an Alu-mediated insertion in exon 7 of the CASR mRNA (c.2643_2644insAlu), causing a frameshift at codon 882 (p.Lys882fs). While this insertion is not anticipated to result in nonsense mediated decay, it is expected to disrupt the C-terminus of the CASR protein. Retrotransposon insertions including LINE1 (L1), Alu, and SVA (SINE-VNTR-Alu) have been reported to be disease-causing through disruption of either a coding region or splice site (PMID: 19763152, 20307669, 22406018). A similar Alu-mediated insertion in CASR have been reported to segregate with familial hypocalciuric hypercalcemia (FHH) and neonatal severe hyperparathyroidism (NSHPT) in three Nova Scotian families (PMID: 7717399, 9217223). Experimental studies have shown that a similar Alu-mediated insertion causes no response to Ca2+ and decreases cell surface expression of the CASR receptor protein in vitro (PMID: 9109436). This Alu-mediated insertion is expected to disrupt a portion of the C-terminal region of the CASR protein containing the intracellular domain (residues 862-1078) (PMID: 20374733). In addition, missense substitutions at codon 886 (p.Arg886Trp and p.Arg886Pro) have been reported in families affected with FHH and have been determined to be likely pathogenic (PMID: 17698911, 11807402, 20798521). This suggests that disruption of this region is causative of disease. For these reasons, this variant has been classified as Pathogenic.

Literature cited by the submitters: PubMed 20307669; PubMed 22406018; PubMed 17698911; PubMed 20798521; PubMed 20374733; PubMed 9217223; PubMed 11807402; PubMed 19763152; PubMed 9109436; PubMed 7717399.